The following is an entry in ClinVar:

NM_020779.4(WDR35):c.1263G>T (p.Leu421Phe)

Gene: WDR35 (WD repeat domain 35; minus strand). Cytogenetic location: 2p24.1.
Variant type: single nucleotide variant.
Coding change: c.1263G>T on transcript NM_020779.4 (MANE Select); coding-DNA position 1263, G replaced by T.
Protein change: p.Leu421Phe; replaces leucine 421 with phenylalanine.
Molecular consequence: missense variant.
Genome position (GRCh38, 1-based): chr2:19,953,971, C>A on the plus strand (G>T on the coding strand, the complement: WDR35 is on the minus strand). VCF-style: chr2-19953971-C-A. GRCh37 (hg19) VCF-style: chr2-20153732-C-A.
Other names: c.1296G>T, p.Leu432Phe (NM_001006657.2); short protein forms L421F, L432F.
Identifiers: ClinVar variation 4794945 (VCV004794945.1).

ClinVar aggregate classification (germline): Uncertain significance (1 of 4 stars; one submission).

Conditions:
Cranioectodermal dysplasia 2 (CED2). Identifiers: Orphanet 1515, MedGen C3150874, MONDO:0013323, OMIM 613610.
Short-rib thoracic dysplasia 7 with or without polydactyly (SRTD7). Also called: Short rib polydactyly syndrome 5; SHORT-RIB THORACIC DYSPLASIA 7 WITH POLYDACTYLY. Identifiers: Orphanet 498497, Orphanet 93271, MedGen C3279792, MONDO:0013569, OMIM 614091.

gnomAD v4.1: 11 of 1,613,946 alleles (0.00068%); highest among the groups gnomAD compares: Non-Finnish European, 0.00085%; no homozygotes.

Submission:

Labcorp Genetics (formerly Invitae), Labcorp
Classification: Uncertain significance for Cranioectodermal dysplasia 2; Short-rib thoracic dysplasia 7 with or without polydactyly. Last evaluated: 2025-11-12. Review status: criteria provided, single submitter. Criteria: Invitae Variant Classification Sherloc (09022015). Collection method: clinical testing. Allele origin: germline.
Comment: This sequence change replaces leucine, which is neutral and non-polar, with phenylalanine, which is neutral and non-polar, at codon 432 of the WDR35 protein (p.Leu432Phe). This variant is present in population databases (rs201734421, gnomAD 0.004%). This variant has not been reported in the literature in individuals affected with WDR35-related conditions. Invitae Evidence Modeling of protein sequence and biophysical properties (such as structural, functional, and spatial information, amino acid conservation, physicochemical variation, residue mobility, and thermodynamic stability) indicates that this missense variant is not expected to disrupt WDR35 protein function with a negative predictive value of 95%. In summary, the available evidence is currently insufficient to determine the role of this variant in disease. Therefore, it has been classified as a Variant of Uncertain Significance.